The following is an entry in ClinVar:

NM_153266.4(TMEM151A):c.1024G>C (p.Asp342His)

Gene: TMEM151A (transmembrane protein 151A; plus strand). Cytogenetic location: 11q13.2.
Variant type: single nucleotide variant.
Coding change: c.1024G>C on transcript NM_153266.4 (MANE Select); coding-DNA position 1024, G replaced by C.
Protein change: p.Asp342His; replaces aspartic acid 342 with histidine.
Molecular consequence: missense variant.
Genome position (GRCh38, 1-based): chr11:66,295,270, G>C. VCF-style: chr11-66295270-G-C. GRCh37 (hg19) VCF-style: chr11-66062741-G-C.
Other names: short protein forms D342H.
Identifiers: ClinVar variation 4291927 (VCV004291927.1).

ClinVar aggregate classification (germline): Uncertain significance (1 of 4 stars; one submission).

Conditions:
Episodic kinesigenic dyskinesia 3 (EKD3). Also called: DYSTONIA 36. Identifiers: MedGen C5830280, MONDO:0859380, OMIM 620245.

Submission:

3billion
Classification: Uncertain significance for Episodic kinesigenic dyskinesia 3. Last evaluated: 2024-08-16. Review status: criteria provided, single submitter. Criteria: ACMG Guidelines, 2015. Collection method: clinical testing. Allele origin: germline. Affected: yes.
Comment: The variant is not observed in the gnomAD v4.0.0 dataset. Predicted Consequence/Location: Missense variant Damaging effect on gene or gene product predicted by in silico programs is uncertain [REVEL: 0.52 (damaging >=0.6, benign <0.4), 3Cnet: 0.29 (damaging >=0.6, benign <0.15)]. Therefore, this variant is classified as VUS according to the recommendation of ACMG/AMP guideline.